The following is an entry in ClinVar:

NM_005359.6(SMAD4):c.*2914C>T

Gene: SMAD4 (SMAD family member 4; plus strand). Cytogenetic location: 18q21.2.
Variant type: single nucleotide variant.
Coding change: c.*2914C>T on transcript NM_005359.6 (MANE Select); 2914 bases downstream of the stop codon, C replaced by T.
Molecular consequence: 3 prime UTR variant.
Genome position (GRCh38, 1-based): chr18:51,081,381, C>T. VCF-style: chr18-51081381-C-T. GRCh37 (hg19) VCF-style: chr18-48607751-C-T.
Identifiers: ClinVar variation 327149 (VCV000327149.5), dbSNP rs147352474, ClinGen allele CA10651773.

ClinVar aggregate classification (germline): Benign/Likely benign. Review status: criteria provided, single submitter (1 of 4 stars). 3 submissions from 1 submitter: Benign (2); Likely benign (1). Last evaluated 2018-01-12.

Conditions:
Myhre syndrome (MYHRS). Also called: LARYNGOTRACHEAL STENOSIS, ARTHROPATHY, PROGNATHISM, AND SHORT STATURE; LAPS SYNDROME. Identifiers: Orphanet 2588, MedGen C0796081, MONDO:0007688, OMIM 139210.
Generalized juvenile polyposis/juvenile polyposis coli. Also called: Juvenile polyposis coli. Identifiers: Orphanet 329971, MedGen C1868081, MONDO:0008276.
Juvenile polyposis/hereditary hemorrhagic telangiectasia syndrome (JPHT). Also called: JP/HHT SYNDROME; JUVENILE POLYPOSIS WITH HEREDITARY HEMORRHAGIC TELANGIECTASIA; POLYPOSIS, GENERALIZED JUVENILE, WITH PULMONARY ARTERIOVENOUS MALFORMATION; TELANGIECTASIA, HEREDITARY HEMORRHAGIC, WITH JUVENILE POLYPOSIS COLI; Juvenile Polyposis Syndrome / Hereditary Hemorrhagic Telangiectasia (JPS/HHT). Identifiers: Orphanet 2929, MedGen C1832942, MONDO:0008278, OMIM 175050.

Allele frequency attached by ClinVar (database versions not stated): 1000 Genomes Project 30x 0.00062; gnomAD 0.00073 and 0.00075; 1000 Genomes Project 0.00080; TOPMed 0.00096; gnomAD exomes 0.00101.
gnomAD v4.1: 184 of 229,532 alleles (0.08%); highest among the groups gnomAD compares: East Asian, 0.49%; no homozygotes.

Submissions (3):

Illumina Laboratory Services, Illumina
Classification: Benign for Myhre syndrome. Last evaluated: 2018-01-12. Review status: criteria provided, single submitter. Criteria: ICSL Variant Classification Criteria 13 December 2019. Collection method: clinical testing. Allele origin: germline.
Comment: This variant was observed in the ICSL laboratory as part of a predisposition screen in an ostensibly healthy population. It had not been previously curated by ICSL or reported in the Human Gene Mutation Database (HGMD: prior to June 1st, 2018), and was therefore a candidate for classification through an automated scoring system. Utilizing variant allele frequency, disease prevalence and penetrance estimates, and inheritance mode, an automated score was calculated to assess if this variant is too frequent to cause the disease. Based on the score and internal cut-off values, a variant classified as benign is not then subjected to further curation. The score for this variant resulted in a classification of benign for this disease.

Illumina Laboratory Services, Illumina
Classification: Benign for Juvenile polyposis syndrome. Last evaluated: 2018-01-12. Review status: criteria provided, single submitter. Criteria: ICSL Variant Classification Criteria 13 December 2019. Collection method: clinical testing. Allele origin: germline.
Comment: the same text as in the submission from Illumina Laboratory Services, Illumina above.

Illumina Laboratory Services, Illumina
Classification: Likely benign for Juvenile polyposis/hereditary hemorrhagic telangiectasia syndrome. Last evaluated: 2018-01-12. Review status: criteria provided, single submitter. Criteria: ICSL Variant Classification Criteria 13 December 2019. Collection method: clinical testing. Allele origin: germline.
Comment: This variant was observed in the ICSL laboratory as part of a predisposition screen in an ostensibly healthy population. It had not been previously curated by ICSL or reported in the Human Gene Mutation Database (HGMD: prior to June 1st, 2018), and was therefore a candidate for classification through an automated scoring system. Utilizing variant allele frequency, disease prevalence and penetrance estimates, and inheritance mode, an automated score was calculated to assess if this variant is too frequent to cause the disease. Based on the score and internal cut-off values, a variant classified as likely benign is not then subjected to further curation. The score for this variant resulted in a classification of likely benign for this disease.